The following is an entry in ClinVar:

NM_004655.4(AXIN2):c.133G>T (p.Val45Phe)

Gene: AXIN2 (axin 2; minus strand). Cytogenetic location: 17q24.1.
Variant type: single nucleotide variant.
Coding change: c.133G>T on transcript NM_004655.4 (MANE Select); coding-DNA position 133, G replaced by T.
Protein change: p.Val45Phe; replaces valine 45 with phenylalanine.
Molecular consequence: missense variant.
Genome position (GRCh38, 1-based): chr17:65,558,488, C>A on the plus strand (G>T on the coding strand, the complement: AXIN2 is on the minus strand). VCF-style: chr17-65558488-C-A. GRCh37 (hg19) VCF-style: chr17-63554606-C-A.
Other names: c.133G>T, p.Val45Phe (NM_001363813.1); short protein forms V45F.
Identifiers: ClinVar variation 1770337 (VCV001770337.5), dbSNP rs746812990, ClinGen allele CA293107265.

ClinVar aggregate classification (germline): Uncertain significance. Review status: criteria provided, multiple submitters, no conflicts (2 of 4 stars). 3 submissions from 3 submitters: Uncertain significance (3). Last evaluated 2025-12-29.

Conditions:
Hereditary cancer-predisposing syndrome. Also called: Hereditary Cancer Syndrome; Hereditary neoplastic syndrome; Neoplastic Syndromes, Hereditary; Tumor predisposition. Identifiers: Orphanet 140162, MedGen C0027672, MeSH D009386, MONDO:0015356.
Oligodontia-cancer predisposition syndrome. Also called: TOOTH AGENESIS-COLORECTAL CANCER SYNDROME. Identifiers: Orphanet 300576, MedGen C1837750, MONDO:0012075, OMIM 608615. Disease mechanism: loss of function.

Submissions (3):

Center for Genomic Medicine, Rigshospitalet, Copenhagen University Hospital
Classification: Uncertain significance. Last evaluated: 2025-12-29. Review status: criteria provided, single submitter. Criteria: ACMG Guidelines, 2015. Collection method: clinical testing. Allele origin: germline.
Comment: Classification criteria: PM2_supporting

Labcorp Genetics (formerly Invitae), Labcorp
Classification: Uncertain significance for Oligodontia-cancer predisposition syndrome. Last evaluated: 2024-10-15. Review status: criteria provided, single submitter. Criteria: Invitae Variant Classification Sherloc (09022015). Collection method: clinical testing. Allele origin: germline.
Comment: This sequence change replaces valine, which is neutral and non-polar, with phenylalanine, which is neutral and non-polar, at codon 45 of the AXIN2 protein (p.Val45Phe). This variant is not present in population databases (gnomAD no frequency). This variant has not been reported in the literature in individuals affected with AXIN2-related conditions. ClinVar contains an entry for this variant (Variation ID: 1770337). Invitae Evidence Modeling of protein sequence and biophysical properties (such as structural, functional, and spatial information, amino acid conservation, physicochemical variation, residue mobility, and thermodynamic stability) indicates that this missense variant is not expected to disrupt AXIN2 protein function with a negative predictive value of 80%. In summary, the available evidence is currently insufficient to determine the role of this variant in disease. Therefore, it has been classified as a Variant of Uncertain Significance.

Ambry Genetics
Classification: Uncertain significance for Hereditary cancer-predisposing syndrome. Last evaluated: 2021-11-16. Review status: criteria provided, single submitter. Criteria: Ambry Variant Classification Scheme 2023. Collection method: clinical testing. Allele origin: germline.
Comment: The p.V45F variant (also known as c.133G>T), located in coding exon 1 of the AXIN2 gene, results from a G to T substitution at nucleotide position 133. The valine at codon 45 is replaced by phenylalanine, an amino acid with highly similar properties. This amino acid position is conserved. In addition, this alteration is predicted to be tolerated by in silico analysis. Since supporting evidence is limited at this time, the clinical significance of this alteration remains unclear.